The following is an entry in ClinVar:

ClinVar aggregate classification (germline): Uncertain significance. Review status: criteria provided, multiple submitters, no conflicts (2 of 4 stars). 2 submissions from 2 submitters: Uncertain significance (2). Last evaluated 2025-03-24.

Conditions:
Hereditary cancer-predisposing syndrome. Also called: Tumor predisposition; Neoplastic Syndromes, Hereditary; Hereditary Cancer Syndrome; Hereditary neoplastic syndrome. Identifiers: Orphanet 140162, MedGen C0027672, MeSH D009386, MONDO:0015356.
Hereditary diffuse gastric adenocarcinoma (HDGC). Also called: DIFFUSE GASTRIC AND LOBULAR BREAST CANCER SYNDROME. Identifiers: Orphanet 26106, MedGen C1708349, MONDO:0007648, OMIM 137215.

Submissions (2):

Labcorp Genetics (formerly Invitae), Labcorp
Classification: Uncertain significance for Hereditary diffuse gastric adenocarcinoma. Last evaluated: 2025-03-24. Review status: criteria provided, single submitter. Criteria: Invitae Variant Classification Sherloc (09022015). Collection method: clinical testing. Allele origin: germline.
Comment: This sequence change replaces asparagine, which is neutral and polar, with lysine, which is basic and polar, at codon 417 of the CDH1 protein (p.Asn417Lys). This variant is not present in population databases (gnomAD no frequency). This variant has not been reported in the literature in individuals affected with CDH1-related conditions. ClinVar contains an entry for this variant (Variation ID: 489848). An algorithm developed to predict the effect of missense changes on protein structure and function (PolyPhen-2) suggests that this variant is likely to be tolerated. In summary, the available evidence is currently insufficient to determine the role of this variant in disease. Therefore, it has been classified as a Variant of Uncertain Significance.

Color Diagnostics, LLC DBA Color Health
Classification: Uncertain significance for Hereditary cancer-predisposing syndrome. Last evaluated: 2023-12-05. Review status: criteria provided, single submitter. Criteria: ACMG Guidelines, 2015. Collection method: clinical testing. Allele origin: germline.
Comment: This missense variant replaces asparagine with lysine at codon 417 of the CDH1 protein. To our knowledge, functional studies have not been reported for this variant. This variant has not been reported in individuals affected with CDH1-related disorders in the literature. This variant has not been identified in the general population by the Genome Aggregation Database (gnomAD). The available evidence is insufficient to determine the role of this variant in disease conclusively. Therefore, this variant is classified as a Variant of Uncertain Significance.

NM_004360.5(CDH1):c.1251T>A (p.Asn417Lys)

Gene: CDH1 (cadherin 1; plus strand). Cytogenetic location: 16q22.1.
Variant type: single nucleotide variant.
Coding change: c.1251T>A on transcript NM_004360.5 (MANE Select); coding-DNA position 1251, T replaced by A.
Protein change: p.Asn417Lys; replaces asparagine 417 with lysine.
Molecular consequence: missense variant. On other transcripts: intron variant (1), 5 prime UTR variant (2).
Genome position (GRCh38, 1-based): chr16:68,813,426, T>A. VCF-style: chr16-68813426-T-A. GRCh37 (hg19) VCF-style: chr16-68847329-T-A.
Other names: c.1137+1163T>A (NM_001317184.2); c.1251T>A (LRG_301t1); c.-365T>A (NM_001317185.2); c.-569T>A (NM_001317186.2); short protein forms N417K.
Identifiers: ClinVar variation 489848 (VCV000489848.7), dbSNP rs1555515902, ClinGen allele CA396461581.